The following is an entry in ClinVar:

ClinVar aggregate classification (germline): Uncertain significance (1 of 4 stars; one submission).

Conditions:
Hereditary spastic paraplegia 11. Also called: Nakamura Osame syndrome; Autosomal recessive hereditary spastic paraplegia, mental impairment, and thin corpus callosum; Spastic Paraplegia 11; Spastic paraplegia, mental retardation and thin corpus callosum; SPASTIC PARAPLEGIA, AUTOSOMAL RECESSIVE, COMPLICATED, WITH THIN CORPUS CALLOSUM; SPASTIC PARAPLEGIA, AUTOSOMAL RECESSIVE, WITH MENTAL IMPAIRMENT AND THIN CORPUS CALLOSUM. Identifiers: Orphanet 2822, MedGen C1858479, MONDO:0011445, OMIM 604360.

Submission:

Labcorp Genetics (formerly Invitae), Labcorp
Classification: Uncertain significance for Hereditary spastic paraplegia 11. Last evaluated: 2022-05-26. Review status: criteria provided, single submitter. Criteria: Invitae Variant Classification Sherloc (09022015). Collection method: clinical testing. Allele origin: germline.
Comment: This variant results in a copy number gain of the genomic region encompassing exon(s) 1-29 of the SPG11 gene. This region includes the initiator codon of the gene. This copy number gain extends beyond the assayed region for this gene and therefore may encompass additional genes. As the precise location of this event is unknown, it may be in tandem or it may be located elsewhere in the genome. This variant has not been reported in the literature in individuals affected with SPG11-related conditions. Experimental studies and prediction algorithms are not available or were not evaluated, and the functional significance of this variant is currently unknown. In summary, the available evidence is currently insufficient to determine the role of this variant in disease. Therefore, it has been classified as a Variant of Uncertain Significance.

NC_000015.9:g.(?_44877814)_(44955845_?)dup

Gene: SPG11 (SPG11 vesicle trafficking associated, spatacsin; minus strand). Cytogenetic location: 15q21.1.
Variant type: Duplication.
Identifiers: ClinVar variation 2426922 (VCV002426922.4).